The following is an entry in ClinVar:

NM_000508.5(FGA):c.2185G>C (p.Glu729Gln)

Gene: FGA (fibrinogen alpha chain; minus strand). Cytogenetic location: 4q31.3.
Variant type: single nucleotide variant.
Coding change: c.2185G>C on transcript NM_000508.5; coding-DNA position 2185, G replaced by C.
Protein change: p.Glu729Gln; replaces glutamic acid 729 with glutamine.
Molecular consequence: missense variant.
Genome position (GRCh38, 1-based): chr4:154,584,540, C>G on the plus strand (G>C on the coding strand, the complement: FGA is on the minus strand). VCF-style: chr4-154584540-C-G. GRCh37 (hg19) VCF-style: chr4-155505692-C-G.
Other names: short protein forms E729Q.
Identifiers: ClinVar variation 3039141 (VCV003039141.2), dbSNP rs61731299, ClinGen allele CA3114927.

ClinVar aggregate classification (germline): Likely benign (0 of 4 stars; one submission).

Conditions:
FGA-related disorder. Also called: FGA-related condition; FGA-related disorders.

Allele frequency attached by ClinVar (database versions not stated): TOPMed 0.00129; ExAC 0.00031; gnomAD 0.00096; 1000 Genomes Project 0.00100; gnomAD exomes 0.00012; 1000 Genomes Project 30x 0.00078; ESP Exome Variant Server 0.00131.
gnomAD v4.1: 330 of 1,614,176 alleles (0.02%); highest among the groups gnomAD compares: African/African-American, 0.4%; 2 homozygotes.

Submission:

PreventionGenetics, part of Exact Sciences
Classification: Likely benign for FGA-related condition. Last evaluated: 2023-12-04. Review status: no assertion criteria provided. Collection method: clinical testing. Allele origin: germline.
Comment: This variant is classified as likely benign based on ACMG/AMP sequence variant interpretation guidelines (Richards et al. 2015 PMID: 25741868, with internal and published modifications).